The following is an entry in ClinVar:

NM_018906.3(PCDHA3):c.1338C>T (p.Ala446=)

Genes: PCDHA1 (protocadherin alpha 1; plus strand), PCDHA2 (protocadherin alpha 2; plus strand), PCDHA3 (protocadherin alpha 3; plus strand), PCDHA@ (protocadherin alpha cluster, complex locus; plus strand). Cytogenetic location: 5q31.3.
Variant type: single nucleotide variant.
Coding change: c.1338C>T on transcript NM_018906.3 (MANE Select); coding-DNA position 1338, C replaced by T.
Protein change: p.Ala446=; no amino-acid change (alanine 446 retained).
Molecular consequence: synonymous variant. On other transcripts: intron variant (4).
Genome position (GRCh38, 1-based): chr5:140,802,535, C>T. VCF-style: chr5-140802535-C-T. GRCh37 (hg19) VCF-style: chr5-140182120-C-T.
Other names: c.1338C>T, p.Ala446= (NM_031497.2); c.2394+13851C>T (NM_018900.4); c.1602+14643C>T (NM_031411.3); c.2388+5183C>T (NM_018905.3); c.2389-2525C>T (NM_031496.2).
Identifiers: ClinVar variation 2655750 (VCV002655750.25), dbSNP rs114741177, ClinGen allele CA3446478.

ClinVar aggregate classification (germline): Likely benign. Review status: criteria provided, single submitter (1 of 4 stars). 2 submissions from 2 submitters: Likely benign (1). 1 of the submissions does not count toward it. Last evaluated 2026-09-01.

Conditions:
PCDHA3-related disorder. Also called: PCDHA3-related condition.

Allele frequency attached by ClinVar (database versions not stated): ExAC 0.00267; 1000 Genomes Project 0.00280; 1000 Genomes Project 30x 0.00281; gnomAD 0.00297; ESP Exome Variant Server 0.00308; TOPMed 0.00310.
gnomAD v4.1: 6,269 of 1,614,142 alleles (0.39%); highest among the groups gnomAD compares: Non-Finnish European, 0.48%; 13 homozygotes.

Submissions (2):

CeGaT Center for Human Genetics Tuebingen
Classification: Likely benign. Last evaluated: 2026-09-01. Review status: criteria provided, single submitter. Criteria: CeGaT Center For Human Genetics Tuebingen Variant Classification Criteria Version 2. Collection method: clinical testing. Allele origin: germline. Affected: yes. Observed: 2 variant alleles.
Comment: PCDHA3: BP4, BP7, BS2

PreventionGenetics, part of Exact Sciences
Classification: Likely benign for PCDHA3-related condition. Last evaluated: 2019-03-12. Review status: no assertion criteria provided. Collection method: clinical testing. Allele origin: germline. Not counted in ClinVar's aggregate classification.
Comment: This variant is classified as likely benign based on ACMG/AMP sequence variant interpretation guidelines (Richards et al. 2015 PMID: 25741868, with internal and published modifications).